The following is an entry in ClinVar:

ClinVar aggregate classification (germline): Uncertain significance (1 of 4 stars; one submission).

Conditions:
Hypertrophic cardiomyopathy 14. Identifiers: MedGen C2750467, MONDO:0013197, OMIM 613251.

Allele frequency attached by ClinVar (database versions not stated): gnomAD exomes 0.00001.
gnomAD v4.1: 6 of 1,614,228 alleles (0.00037%); highest among the groups gnomAD compares: Non-Finnish European, 0.00051%; no homozygotes.

Submission:

Labcorp Genetics (formerly Invitae), Labcorp
Classification: Uncertain significance for Hypertrophic cardiomyopathy 14. Last evaluated: 2018-10-22. Review status: criteria provided, single submitter. Criteria: Invitae Variant Classification Sherloc (09022015). Collection method: clinical testing. Allele origin: germline.
Comment: This sequence change replaces glutamic acid with lysine at codon 1710 of the MYH6 protein (p.Glu1710Lys). The glutamic acid residue is weakly conserved and there is a small physicochemical difference between glutamic acid and lysine. This variant is not present in population databases (ExAC no frequency). This variant has not been reported in the literature in individuals with MYH6-related disease. Algorithms developed to predict the effect of missense changes on protein structure and function are either unavailable or do not agree on the potential impact of this missense change (SIFT: "Tolerated"; PolyPhen-2: "Possibly Damaging"; Align-GVGD: "Class C0"). In summary, the available evidence is currently insufficient to determine the role of this variant in disease. Therefore, it has been classified as a Variant of Uncertain Significance.

NM_002471.4(MYH6):c.5128G>A (p.Glu1710Lys)

Genes: MYH6 (myosin heavy chain 6; minus strand), LOC126861896 (BRD4-independent group 4 enhancer GRCh37_chr14:23854904-23856103; plus strand). Cytogenetic location: 14q11.2.
Variant type: single nucleotide variant.
Coding change: c.5128G>A on transcript NM_002471.4 (MANE Select); coding-DNA position 5128, G replaced by A.
Protein change: p.Glu1710Lys; replaces glutamic acid 1710 with lysine.
Molecular consequence: missense variant.
Genome position (GRCh38, 1-based): chr14:23,385,963, C>T on the plus strand (G>A on the coding strand, the complement: MYH6 is on the minus strand). VCF-style: chr14-23385963-C-T. GRCh37 (hg19) VCF-style: chr14-23855172-C-T.
Other names: short protein forms E1710K.
Identifiers: ClinVar variation 651409 (VCV000651409.9), dbSNP rs1595048900, ClinGen allele CA388989298.